The following is an entry in ClinVar:

ClinVar aggregate classification (germline): Likely benign. Review status: criteria provided, multiple submitters, no conflicts (2 of 4 stars). 2 submissions from 2 submitters: Likely benign (2). Last evaluated 2025-02-19.

Conditions:
ARID1A-related disorder. Also called: ARID1A-related condition.

Allele frequency attached by ClinVar (database versions not stated): ExAC 0.00002; gnomAD exomes 0.00003; TOPMed 0.00003; gnomAD 0.00005.
gnomAD v4.1: 45 of 1,613,138 alleles (0.0028%); highest among the groups gnomAD compares: Middle Eastern, 0.016%; no homozygotes.

Submissions (2):

PreventionGenetics, part of Exact Sciences
Classification: Likely benign for ARID1A-related condition. Last evaluated: 2025-02-19. Review status: criteria provided, single submitter. Criteria: ACMG Guidelines, 2015. Collection method: clinical testing. Allele origin: germline.
Comment: This variant is classified as likely benign based on ACMG/AMP sequence variant interpretation guidelines (Richards et al. 2015 PMID: 25741868, with internal and published modifications).

Labcorp Genetics (formerly Invitae), Labcorp
Classification: Likely benign. Last evaluated: 2024-04-25. Review status: criteria provided, single submitter. Criteria: Invitae Variant Classification Sherloc (09022015). Collection method: clinical testing. Allele origin: germline.

NM_006015.6(ARID1A):c.1799C>T (p.Pro600Leu)

Gene: ARID1A (AT-rich interaction domain 1A; plus strand). Cytogenetic location: 1p36.11.
Variant type: single nucleotide variant.
Coding change: c.1799C>T on transcript NM_006015.6 (MANE Select); coding-DNA position 1799, C replaced by T.
Protein change: p.Pro600Leu; replaces proline 600 with leucine.
Molecular consequence: missense variant.
Genome position (GRCh38, 1-based): chr1:26,731,600, C>T. VCF-style: chr1-26731600-C-T. GRCh37 (hg19) VCF-style: chr1-27058091-C-T.
Other names: c.1799C>T, p.Pro600Leu (NM_139135.4); short protein forms P600L.
Identifiers: ClinVar variation 1916400 (VCV001916400.6), dbSNP rs764766076, ClinGen allele CA706845.